The following is an entry in ClinVar:

ClinVar aggregate classification (germline): Uncertain significance (1 of 4 stars; one submission).

Conditions:
Intellectual developmental disorder, X-linked 1. Also called: MENTAL RETARDATION, X-LINKED 18; MENTAL RETARDATION, X-LINKED 78; Intellectual disability, X-linked 1; Atkin Flaitz Patil Smith syndrome. Identifiers: Orphanet 777, MedGen C2931498, MONDO:0010656, OMIM 309530.

Allele frequency attached by ClinVar (database versions not stated): gnomAD exomes below 0.00001; TOPMed below 0.00001.
gnomAD v4.1: 1 of 1,211,352 alleles (0.000083%); highest among the groups gnomAD compares: African/African-American, 0.0017%; no homozygotes.

Submission:

Labcorp Genetics (formerly Invitae), Labcorp
Classification: Uncertain significance for Intellectual developmental disorder, X-linked 1. Last evaluated: 2025-09-27. Review status: criteria provided, single submitter. Criteria: Invitae Variant Classification Sherloc (09022015). Collection method: clinical testing. Allele origin: germline.
Comment: This sequence change replaces methionine, which is neutral and non-polar, with isoleucine, which is neutral and non-polar, at codon 418 of the IQSEC2 protein (p.Met418Ile). This variant is not present in population databases (gnomAD no frequency). This variant has not been reported in the literature in individuals affected with IQSEC2-related conditions. ClinVar contains an entry for this variant (Variation ID: 1720761). Invitae Evidence Modeling of protein sequence and biophysical properties (such as structural, functional, and spatial information, amino acid conservation, physicochemical variation, residue mobility, and thermodynamic stability) indicates that this missense variant is not expected to disrupt IQSEC2 protein function with a negative predictive value of 95%. In summary, the available evidence is currently insufficient to determine the role of this variant in disease. Therefore, it has been classified as a Variant of Uncertain Significance.

NM_001111125.3(IQSEC2):c.1254G>A (p.Met418Ile)

Gene: IQSEC2 (IQ motif and Sec7 domain ArfGEF 2; minus strand). Cytogenetic location: Xp11.22.
Variant type: single nucleotide variant.
Coding change: c.1254G>A on transcript NM_001111125.3 (MANE Select); coding-DNA position 1254, G replaced by A.
Protein change: p.Met418Ile; replaces methionine 418 with isoleucine.
Molecular consequence: missense variant.
Genome position (GRCh38, 1-based): chrX:53,254,677, C>T on the plus strand (G>A on the coding strand, the complement: IQSEC2 is on the minus strand). VCF-style: chrX-53254677-C-T. GRCh37 (hg19) VCF-style: chrX-53283859-C-T.
Other names: c.1254G>A, p.Met418Ile (NM_001410736.1); c.639G>A, p.Met213Ile (NM_015075.2); short protein forms M213I, M418I.
Identifiers: ClinVar variation 1720761 (VCV001720761.6), dbSNP rs1372242898, ClinGen allele CA413169320.